The following is an entry in ClinVar:

ClinVar aggregate classification (germline): Uncertain significance. Review status: criteria provided, multiple submitters, no conflicts (2 of 4 stars). 2 submissions from 2 submitters: Uncertain significance (2). Last evaluated 2023-11-21.

Conditions:
Aplastic anemia. Identifiers: Orphanet 182040, Orphanet 88, MedGen C0002874, MONDO:0015909, OMIM 609135, HP:0001915.
Microcephaly, normal intelligence and immunodeficiency (NBS). Also called: Microcephaly with normal intelligence immunodeficiency and lymphoreticular malignancies; Nonsyndromal microcephaly autosomal recessive with normal intelligence; Seemanova syndrome 2; BERLIN BREAKAGE SYNDROME; Ataxia telangiectasia variant V1; IMMUNODEFICIENCY, MICROCEPHALY, AND CHROMOSOMAL INSTABILITY. Identifiers: Orphanet 647, MedGen C0398791, MONDO:0009623, OMIM 251260.

Submissions (2):

Baylor Genetics
Classification: Uncertain significance for Aplastic anemia. Last evaluated: 2023-11-21. Review status: criteria provided, single submitter. Criteria: ACMG Guidelines, 2015. Collection method: clinical testing. Allele origin: unknown.

Labcorp Genetics (formerly Invitae), Labcorp
Classification: Uncertain significance for Microcephaly, normal intelligence and immunodeficiency. Last evaluated: 2022-12-15. Review status: criteria provided, single submitter. Criteria: Invitae Variant Classification Sherloc (09022015). Collection method: clinical testing. Allele origin: germline.
Comment: In summary, the available evidence is currently insufficient to determine the role of this variant in disease. Therefore, it has been classified as a Variant of Uncertain Significance. Algorithms developed to predict the effect of missense changes on protein structure and function are either unavailable or do not agree on the potential impact of this missense change (SIFT: "Deleterious"; PolyPhen-2: "Probably Damaging"; Align-GVGD: "Class C0"). This variant has not been reported in the literature in individuals affected with NBN-related conditions. This variant is not present in population databases (gnomAD no frequency). This sequence change replaces leucine, which is neutral and non-polar, with phenylalanine, which is neutral and non-polar, at codon 135 of the NBN protein (p.Leu135Phe).

NM_002485.5(NBN):c.403C>T (p.Leu135Phe)

Gene: NBN (nibrin; minus strand). Cytogenetic location: 8q21.3.
Variant type: single nucleotide variant.
Coding change: c.403C>T on transcript NM_002485.5 (MANE Select); coding-DNA position 403, C replaced by T.
Protein change: p.Leu135Phe; replaces leucine 135 with phenylalanine.
Molecular consequence: missense variant.
Genome position (GRCh38, 1-based): chr8:89,980,811, G>A on the plus strand (C>T on the coding strand, the complement: NBN is on the minus strand). VCF-style: chr8-89980811-G-A. GRCh37 (hg19) VCF-style: chr8-90993039-G-A.
Other names: c.157C>T, p.Leu53Phe (NM_001024688.3); short protein forms L135F, L53F.
Identifiers: ClinVar variation 2999711 (VCV002999711.4), dbSNP rs1409617560, ClinGen allele CA371661881.